The following is an entry in ClinVar:

NM_001040142.2(SCN2A):c.605+1G>A

Gene: SCN2A (sodium voltage-gated channel alpha subunit 2; plus strand). Cytogenetic location: 2q24.3.
Variant type: single nucleotide variant.
Coding change: c.605+1G>A on transcript NM_001040142.2 (MANE Select); the canonical splice donor site of the intron after coding-DNA position 605, G replaced by A.
Molecular consequence: splice donor variant.
Genome position (GRCh38, 1-based): chr2:165,308,795, G>A. VCF-style: chr2-165308795-G-A. GRCh37 (hg19) VCF-style: chr2-166165305-G-A.
Other names: c.605+1G>A (NM_001040143.2, NM_001371246.1, NM_001371247.1 and 1 more transcripts).
Identifiers: ClinVar variation 619986 (VCV000619986.53), dbSNP rs796053171, ClinGen allele CA349016815.

ClinVar aggregate classification (germline): Pathogenic. Review status: criteria provided, multiple submitters, no conflicts (2 of 4 stars). 6 submissions from 6 submitters: Pathogenic (6). Last evaluated 2025-04-29.

Conditions:
Complex neurodevelopmental disorder. Identifiers: Orphanet 528084, MedGen C5568766, MONDO:0100038.
Seizures, benign familial infantile, 3 (BFIS3). Also called: CONVULSIONS, BENIGN FAMILIAL INFANTILE, 3; Familial neonatal seizures. Identifiers: Orphanet 140927, Orphanet 306, MedGen C1843140, MONDO:0011904, OMIM 607745.
Developmental and epileptic encephalopathy, 11 (DEE11). Also called: Early infantile epileptic encephalopathy 11. Identifiers: Orphanet 1934, MedGen C3150987, MONDO:0013388, OMIM 613721.

Allele frequency attached by ClinVar (database versions not stated): gnomAD exomes below 0.00001.
gnomAD v4.1: 2 of 1,612,418 alleles (0.00012%); highest among the groups gnomAD compares: Non-Finnish European, 0.00017%; no homozygotes.

Submissions (6):

Clinical Genetics Laboratory, University Hospital Schleswig-Holstein
Classification: Pathogenic for Developmental and epileptic encephalopathy, 11. Last evaluated: 2025-04-29. Review status: criteria provided, single submitter. Criteria: ACMG Guidelines, 2015. Collection method: clinical testing. Allele origin: germline. Affected: yes. Observed: 1 heterozygote.
Comment: ACMG criteria applied: PM2, PS4, PVS1_Moderate, PS2

Labcorp Genetics (formerly Invitae), Labcorp
Classification: Pathogenic for Seizures, benign familial infantile, 3; Developmental and epileptic encephalopathy, 11. Last evaluated: 2024-12-09. Review status: criteria provided, single submitter. Criteria: Invitae Variant Classification Sherloc (09022015). Collection method: clinical testing. Allele origin: germline.
Comment: This sequence change affects a donor splice site in intron 5 of the SCN2A gene. It is expected to disrupt RNA splicing. Variants that disrupt the donor or acceptor splice site typically lead to a loss of protein function (PMID: 16199547), and loss-of-function variants in SCN2A are known to be pathogenic (PMID: 28379373). This variant is not present in population databases (gnomAD no frequency). Disruption of this splice site has been observed in individual(s) with clinical features of SCN2A-related conditions (PMID: 25533962, 28135719, 28379373, 29852413, 30564305). In at least one individual the variant was observed to be de novo. ClinVar contains an entry for this variant (Variation ID: 619986). Algorithms developed to predict the effect of sequence changes on RNA splicing suggest that this variant may disrupt the consensus splice site. For these reasons, this variant has been classified as Pathogenic.

CeGaT Center for Human Genetics Tuebingen
Classification: Pathogenic. Last evaluated: 2024-03-01. Review status: criteria provided, single submitter. Criteria: CeGaT Center For Human Genetics Tuebingen Variant Classification Criteria Version 2. Collection method: clinical testing. Allele origin: germline. Affected: yes. Observed: 2 variant alleles.
Comment: SCN2A: PS2, PM2, PS4:Moderate, PVS1:Moderate, PS1:Supporting

Laboratoire de Génétique Moléculaire, CHU Bordeaux
Classification: Pathogenic for Developmental and epileptic encephalopathy, 11. Last evaluated: 2020-05-28. Review status: criteria provided, single submitter. Criteria: ACMG Guidelines, 2015. Collection method: clinical testing. Allele origin: germline. Affected: yes.

Cytogénomique, Hospices Civils de Lyon
Classification: Pathogenic for Developmental and epileptic encephalopathy, 11. Last evaluated: 2017-09-18. Review status: criteria provided, single submitter. Criteria: ACMG Guidelines, 2015. Collection method: clinical testing. Allele origin: de novo. Inheritance: Autosomal dominant inheritance. Affected: yes.

Clinical Genetics Service, Universitary Hospital 12 de Octubre
Classification: Pathogenic for Developmental and epileptic encephalopathy, 11. Review status: criteria provided, single submitter. Criteria: ACMG Guidelines, 2015. Collection method: clinical testing. Allele origin: de novo. Affected: yes.

Literature cited by the submitters: PubMed 16199547 (cited by Labcorp Genetics (formerly Invitae), Labcorp); PubMed 28379373 (cited by Labcorp Genetics (formerly Invitae), Labcorp); PubMed 25533962 (cited by Labcorp Genetics (formerly Invitae), Labcorp); PubMed 28135719 (cited by Labcorp Genetics (formerly Invitae), Labcorp); PubMed 29852413 (cited by Labcorp Genetics (formerly Invitae), Labcorp); PubMed 30564305 (cited by Labcorp Genetics (formerly Invitae), Labcorp).